The following is an entry in ClinVar:

ClinVar aggregate classification (germline): Uncertain significance (1 of 4 stars; one submission).

Conditions:
Early-infantile DEE. Also called: Ohtahara syndrome; Early infantile epileptic encephalopathy; Early infantile epileptic encephalopathy with suppression bursts. Identifiers: Orphanet 1934, MedGen C0393706, MONDO:0800491.

Submission:

Labcorp Genetics (formerly Invitae), Labcorp
Classification: Uncertain significance for Early-infantile DEE. Last evaluated: 2023-09-03. Review status: criteria provided, single submitter. Criteria: Invitae Variant Classification Sherloc (09022015). Collection method: clinical testing. Allele origin: germline.
Comment: This sequence change replaces glycine, which is neutral and non-polar, with glutamic acid, which is acidic and polar, at codon 1402 of the SPTAN1 protein (p.Gly1402Glu). This variant is not present in population databases (gnomAD no frequency). This variant has not been reported in the literature in individuals affected with SPTAN1-related conditions. Advanced modeling of protein sequence and biophysical properties (such as structural, functional, and spatial information, amino acid conservation, physicochemical variation, residue mobility, and thermodynamic stability) has been performed at Invitae for this missense variant, however the output from this modeling did not meet the statistical confidence thresholds required to predict the impact of this variant on SPTAN1 protein function. In summary, the available evidence is currently insufficient to determine the role of this variant in disease. Therefore, it has been classified as a Variant of Uncertain Significance.

NM_001130438.3(SPTAN1):c.4205G>A (p.Gly1402Glu)

Gene: SPTAN1 (spectrin alpha, non-erythrocytic 1; plus strand). Cytogenetic location: 9q34.11.
Variant type: single nucleotide variant.
Coding change: c.4205G>A on transcript NM_001130438.3 (MANE Select); coding-DNA position 4205, G replaced by A.
Protein change: p.Gly1402Glu; replaces glycine 1402 with glutamic acid.
Molecular consequence: missense variant.
Genome position (GRCh38, 1-based): chr9:128,607,910, G>A. VCF-style: chr9-128607910-G-A. GRCh37 (hg19) VCF-style: chr9-131370189-G-A.
Other names: c.4145G>A, p.Gly1382Glu (NM_001195532.2, NM_001363765.2, NM_001375314.2); c.4205G>A, p.Gly1402Glu (NM_001363759.2, NM_001375310.1, NM_001375311.2 and 2 more transcripts); c.4241G>A, p.Gly1414Glu (NM_001375312.2, NM_001375318.1); short protein forms G1402E, G1382E, G1414E.
Identifiers: ClinVar variation 2757478 (VCV002757478.3), dbSNP rs2541750141, ClinGen allele CA375066423.
Genomic context (GRCh38, chr9:128,607,910, plus strand): 5'-AGGAACACCGGACAGAAATCGATGCCAGGGCTGGCACTTTCCAGGCATTTGAGCAGTTTG[G>A]ACAGCAGCTGTTGGCTCACGGACACTATGCCAGCCCTGAGATCAAGCAGAAACTTGATAT-3'
Protein context (NP_001123910.1, residues 1392-1412): AGTFQAFEQF[Gly1402Glu]QQLLAHGHYA